The following is an entry in ClinVar:

NM_005228.5(EGFR):c.1762G>A (p.Gly588Ser)

Gene: EGFR (epidermal growth factor receptor; plus strand). Cytogenetic location: 7p11.2.
Variant type: single nucleotide variant.
Coding change: c.1762G>A on transcript NM_005228.5 (MANE Select); coding-DNA position 1762, G replaced by A.
Protein change: p.Gly588Ser; replaces glycine 588 with serine.
Molecular consequence: missense variant.
Genome position (GRCh38, 1-based): chr7:55,165,319, G>A. VCF-style: chr7-55165319-G-A. GRCh37 (hg19) VCF-style: chr7-55233012-G-A.
Other names: c.1627G>A, p.Gly543Ser (NM_001346897.2, NM_001346899.2); c.1762G>A, p.Gly588Ser (NM_001346898.2, NM_201282.2, NM_201284.2); c.1603G>A, p.Gly535Ser (NM_001346900.2); c.961G>A, p.Gly321Ser (NM_001346941.2); short protein forms G321S, G535S, G543S, G588S.
Identifiers: ClinVar variation 2156420 (VCV002156420.6), dbSNP rs989939484, ClinGen allele CA158925029.

ClinVar aggregate classification (germline): Uncertain significance. Review status: criteria provided, multiple submitters, no conflicts (2 of 4 stars). 2 submissions from 2 submitters: Uncertain significance (2). Last evaluated 2025-04-10.
ClinVar aggregate classification (oncogenicity): Uncertain significance (1 of 4 stars; one submission).

Conditions:
EGFR-related lung cancer (EGFR). Identifiers: MedGen CN130014.
Hereditary cancer-predisposing syndrome. Also called: Tumor predisposition; Hereditary neoplastic syndrome; Neoplastic Syndromes, Hereditary; Hereditary Cancer Syndrome. Identifiers: Orphanet 140162, MedGen C0027672, MeSH D009386, MONDO:0015356.
Neoplasm. Also called: Neoplasms; Neoplasm (disease); tumor. Identifiers: MedGen C0027651, MeSH D009369, MONDO:0005070, HP:0002664.

Allele frequency attached by ClinVar (database versions not stated): TOPMed below 0.00001; gnomAD 0.00001; gnomAD exomes 0.00001.
gnomAD v4.1: 10 of 1,613,996 alleles (0.00062%); highest among the groups gnomAD compares: African/African-American, 0.0013%; no homozygotes.

Submissions (3):

Ambry Genetics
Classification: Uncertain significance for Hereditary cancer-predisposing syndrome. Last evaluated: 2025-04-10. Review status: criteria provided, single submitter. Criteria: Ambry Variant Classification Scheme 2023. Collection method: clinical testing. Allele origin: germline.
Comment: The p.G588S variant (also known as c.1762G>A), located in coding exon 15 of the EGFR gene, results from a G to A substitution at nucleotide position 1762. The glycine at codon 588 is replaced by serine, an amino acid with similar properties. This amino acid position is highly conserved in available vertebrate species. In addition, the in silico prediction for this alteration is inconclusive. Based on the available evidence, the clinical significance of this variant remains unclear.

Center for Genomic Medicine, Rigshospitalet, Copenhagen University Hospital
Classification: Uncertain significance for Neoplasm. Last evaluated: 2025-03-04. Review status: criteria provided, single submitter. Criteria: ClinGen/CGC/VICC Guidelines for Oncogenicity, 2022. Collection method: clinical testing. Allele origin: somatic. Affected: yes.

Labcorp Genetics (formerly Invitae), Labcorp
Classification: Uncertain significance for EGFR-related lung cancer. Last evaluated: 2024-11-18. Review status: criteria provided, single submitter. Criteria: Invitae Variant Classification Sherloc (09022015). Collection method: clinical testing. Allele origin: germline.
Comment: This sequence change replaces glycine, which is neutral and non-polar, with serine, which is neutral and polar, at codon 588 of the EGFR protein (p.Gly588Ser). This variant is present in population databases (no rsID available, gnomAD 0.0009%). This variant has not been reported in the literature in individuals affected with EGFR-related conditions. ClinVar contains an entry for this variant (Variation ID: 2156420). Invitae Evidence Modeling of protein sequence and biophysical properties (such as structural, functional, and spatial information, amino acid conservation, physicochemical variation, residue mobility, and thermodynamic stability) has been performed for this missense variant. However, the output from this modeling did not meet the statistical confidence thresholds required to predict the impact of this variant on EGFR protein function. In summary, the available evidence is currently insufficient to determine the role of this variant in disease. Therefore, it has been classified as a Variant of Uncertain Significance.

Literature cited by the submitters: PubMed 29533785 (cited by Center for Genomic Medicine, Rigshospitalet, Copenhagen University Hospital).